The following is an entry in ClinVar:

NM_003482.4(KMT2D):c.11899C>A (p.Gln3967Lys)

Gene: KMT2D (lysine methyltransferase 2D; minus strand). Cytogenetic location: 12q13.12.
Variant type: single nucleotide variant.
Coding change: c.11899C>A on transcript NM_003482.4 (MANE Select); coding-DNA position 11899, C replaced by A.
Protein change: p.Gln3967Lys; replaces glutamine 3967 with lysine.
Molecular consequence: missense variant.
Genome position (GRCh38, 1-based): chr12:49,032,806, G>T on the plus strand (C>A on the coding strand, the complement: KMT2D is on the minus strand). VCF-style: chr12-49032806-G-T. GRCh37 (hg19) VCF-style: chr12-49426589-G-T.
Other names: short protein forms Q3967K.
Identifiers: ClinVar variation 5017604 (VCV005017604.1).

ClinVar aggregate classification (germline): Uncertain significance (1 of 4 stars; one submission).

gnomAD v4.1: 3 of 1,551,906 alleles (0.00019%); highest among the groups gnomAD compares: Non-Finnish European, 0.00026%; no homozygotes.

Submission:

GeneDx
Classification: Uncertain significance. Last evaluated: 2026-03-31. Review status: criteria provided, single submitter. Criteria: GeneDx Variant Classification Process June 2021. Collection method: clinical testing. Allele origin: germline.
Comment: Not observed at significant frequency in large population cohorts (gnomAD); In silico analysis suggests that this missense variant does not alter protein structure/function; Has not been previously published as pathogenic or benign to our knowledge